The following is an entry in ClinVar:

NM_001134363.3(RBM20):c.3416C>A (p.Pro1139Gln)

Gene: RBM20 (RNA binding motif protein 20; plus strand). Cytogenetic location: 10q25.2.
Variant type: single nucleotide variant.
Coding change: c.3416C>A on transcript NM_001134363.3 (MANE Select); coding-DNA position 3416, C replaced by A.
Protein change: p.Pro1139Gln; replaces proline 1139 with glutamine.
Molecular consequence: missense variant.
Genome position (GRCh38, 1-based): chr10:110,823,579, C>A. VCF-style: chr10-110823579-C-A. GRCh37 (hg19) VCF-style: chr10-112583337-C-A.
Other names: short protein forms P1139Q.
Identifiers: ClinVar variation 3233215 (VCV003233215.1), dbSNP rs903726906, ClinGen allele CA213231089.

ClinVar aggregate classification (germline): Uncertain significance (1 of 4 stars; one submission).

Conditions:
Cardiovascular phenotype. Identifiers: MedGen CN230736.

gnomAD v4.1: 4 of 1,551,370 alleles (0.00026%); highest among the groups gnomAD compares: African/African-American, 0.0055%; no homozygotes.

Submission:

Ambry Genetics
Classification: Uncertain significance for Cardiovascular phenotype. Last evaluated: 2023-10-15. Review status: criteria provided, single submitter. Criteria: Ambry Variant Classification Scheme 2023. Collection method: clinical testing. Allele origin: germline.
Comment: The p.P1139Q variant (also known as c.3416C>A), located in coding exon 12 of the RBM20 gene, results from a C to A substitution at nucleotide position 3416. The proline at codon 1139 is replaced by glutamine, an amino acid with similar properties. This amino acid position is conserved. In addition, this alteration is predicted to be tolerated by in silico analysis. Since supporting evidence is limited at this time, the clinical significance of this alteration remains unclear.